The following is an entry in ClinVar:

ClinVar aggregate classification (germline): Conflicting classifications of pathogenicity. Review status: criteria provided, conflicting classifications (1 of 4 stars). 5 submissions from 5 submitters: Pathogenic (1); Likely pathogenic (1); Uncertain significance (3). Last evaluated 2025-11-19.

Conditions:
CFTR-related disorder (CFTR-RD). Also called: CFTR-related disorders; CFTR-related condition. Identifiers: MedGen C5924204, MONDO:7770004.
Cystic fibrosis (CF). Also called: MUCOVISCIDOSIS. Identifiers: Orphanet 586, MedGen C0010674, MONDO:0009061, OMIM 219700. Disease mechanism: loss of function.

Allele frequency attached by ClinVar (database versions not stated): gnomAD exomes below 0.00001; TOPMed below 0.00001.
gnomAD v4.1: 3 of 1,609,242 alleles (0.00019%); highest among the groups gnomAD compares: Non-Finnish European, 0.00025%; no homozygotes.

Submissions (5):

Ambry Genetics
Classification: Pathogenic for Cystic fibrosis. Last evaluated: 2025-11-19. Review status: criteria provided, single submitter. Criteria: Ambry Variant Classification Scheme 2023. Collection method: clinical testing. Allele origin: germline.
Comment: The p.G463D pathogenic mutation (also known as c.1388G>A), located in coding exon 10 of the CFTR gene, results from a G to A substitution at nucleotide position 1388. The glycine at codon 463 is replaced by aspartic acid, an amino acid with similar properties. This variant has been identified in conjunction with other CFTR variant(s) in individual(s) who met clinical criteria for Cystic Fibrosis or CFTR-related disorders; in at least one instance, the variants were identified in trans (Liu K et al. Orphanet J Rare Dis, 2020 Jun;15:150; Shen Y et al. J Med Genet, 2022 Jul;60:310-5; Xu C et al. Pediatr Pulmonol, 2023 Oct;58:2865-2870). In an assay testing CFTR function, this variant showed a functionally abnormal result (Bihler H et al. J Cyst Fibros, 2024 Jul;23:664-675). This amino acid position is highly conserved in available vertebrate species. In addition, this alteration is predicted to be deleterious by in silico analysis. This variant is considered to be rare based on population cohorts in the Genome Aggregation Database (gnomAD). Based on the supporting evidence, this variant is interpreted as a disease-causing mutation.

Natera, Inc.
Classification: Likely pathogenic for CFTR-related disorders. Last evaluated: 2025-08-06. Review status: criteria provided, single submitter. Criteria: Natera Variant Classification Schema (03/2026). Collection method: clinical testing. Allele origin: germline.
Comment: The c.1388G>A variant in CFTR is a missense variant predicted to cause substitution of glycine to aspartic acid at amino acid 463. This variant is rare in the general population with a frequency below the threshold expected for the associated phenotype(s). This variant has been observed in one or more individuals affected with the associated recessive disease, as either homozygous or compound heterozygous with a second variant (PMID: 35858753, 37477516, 39773272). Computational prediction algorithms indicate this variant is likely to affect gene or protein function. Given the available evidence, this variant is classified as Likely Pathogenic.

3billion
Classification: Uncertain significance for Cystic fibrosis. Last evaluated: 2023-02-23. Review status: criteria provided, single submitter. Criteria: ACMG Guidelines, 2015. Collection method: clinical testing. Allele origin: unknown. Affected: yes.
Comment: The variant is not observed in the gnomAD v2.1.1 dataset. In silico tool predictions suggest damaging effect of the variant on gene or gene product (REVEL: 0.99; 3Cnet: 1.00). Same nucleotide change resulting in same amino acid change has been previously reported to be associated with CFTR related disorder (PMID: 12167682). However, the evidence of pathogenicity is insufficient at this time. Therefore, this variant is classified as VUS according to the recommendation of ACMG/AMP guideline.

Institute of Human Genetics, University of Leipzig Medical Center
Classification: Uncertain significance for Cystic fibrosis. Last evaluated: 2022-09-05. Review status: criteria provided, single submitter. Criteria: ACMG Guidelines, 2015. Collection method: curation. Allele origin: unknown. Affected: yes. Observed: 1 variant allele.
Comment: The variant was classified in the context of a project re-classifying variants in the German Cystic Fibrosis Registry (Muko.e.V.). Criteria applied: PM2_SUP, PM3, PP3, PP4

Quest Diagnostics Nichols Institute San Juan Capistrano
Classification: Uncertain significance. Last evaluated: 2021-01-12. Review status: criteria provided, single submitter. Criteria: Quest Diagnostics criteria. Collection method: clinical testing. Allele origin: unknown.

Literature cited by the submitters: PubMed 32539862 (cited by Ambry Genetics and Quest Diagnostics Nichols Institute San Juan Capistrano); PubMed 35858753 (cited by Ambry Genetics and Natera, Inc.); PubMed 37477516 (cited by Ambry Genetics and Natera, Inc.); PubMed 38388235 (cited by Ambry Genetics); PubMed 39773272 (cited by Natera, Inc.); PubMed 12167682 (cited by 3billion and Quest Diagnostics Nichols Institute San Juan Capistrano); PubMed 28736296 (cited by Quest Diagnostics Nichols Institute San Juan Capistrano); PubMed 14685937 (cited by Quest Diagnostics Nichols Institute San Juan Capistrano).

NM_000492.4(CFTR):c.1388G>A (p.Gly463Asp)

Genes: CFTR (CF transmembrane conductance regulator; plus strand), CFTR-AS1 (CFTR antisense RNA 1; minus strand). Cytogenetic location: 7q31.2.
Variant type: single nucleotide variant.
Coding change: c.1388G>A on transcript NM_000492.4 (MANE Select); coding-DNA position 1388, G replaced by A.
Protein change: p.Gly463Asp; replaces glycine 463 with aspartic acid.
Molecular consequence: missense variant.
Genome position (GRCh38, 1-based): chr7:117,548,819, G>A. VCF-style: chr7-117548819-G-A. GRCh37 (hg19) VCF-style: chr7-117188873-G-A.
Other names: short protein forms G463D.
Identifiers: ClinVar variation 1330059 (VCV001330059.5), dbSNP rs1163866901, ClinGen allele CA368982583.